The following is an entry in ClinVar:

NM_007294.4(BRCA1):c.951del (p.Gln317fs)

Gene: BRCA1 (BRCA1 DNA repair associated; minus strand). Cytogenetic location: 17q21.31.
Variant type: Deletion.
Coding change: c.951del on transcript NM_007294.4 (MANE Select); coding-DNA position 951, one base deleted (A; older notation c.951delA).
Protein change: p.Gln317fs; shifts the reading frame from glutamine 317.
Molecular consequence: frameshift variant. On other transcripts: intron variant (137).
Genome position (GRCh38, 1-based): chr17:43,094,580, T deleted on the plus strand (A on the coding strand, the reverse complement: BRCA1 is on the minus strand); the first of 2 consecutive T bases (chr17:43,094,580-43,094,581); deleting either gives the same sequence. VCF-style (leftmost placement, unchanged base first): chr17-43094579-GT-G. GRCh37 (hg19) VCF-style: chr17-41246596-GT-G.
Other names: c.948del, p.Gln316fs (NM_001407628.1, NM_001407632.1, NM_001407633.1 and 22 more transcripts); c.951delA (NM_007294.3); c.738del, p.Gln246fs (NM_001407571.1, NM_001407853.1, NM_001407894.1 and 9 more transcripts); c.951del, p.Gln317fs (NM_001407581.1, NM_001407582.1, NM_001407583.1 and 30 more transcripts); c.684del, p.Gln228fs (NM_001407930.1, NM_001407931.1, NM_001407932.1 and 2 more transcripts); c.687del, p.Gln229fs (NM_001407933.1, NM_001407935.1, NM_001407920.1 and 9 more transcripts); c.828del, p.Gln276fs (NM_001407937.1, NM_001407938.1, NM_001407939.1 and 19 more transcripts); c.942del, p.Gln314fs (NM_001407646.1, NM_001407647.1); and 41 more; short protein forms Q270fs, Q317fs, Q189fs, Q190fs, Q205fs, Q21fs, Q249fs, Q290fs.
Identifiers: ClinVar variation 480990 (VCV000480990.6), dbSNP rs1555592776, ClinGen allele CA658656812.

ClinVar aggregate classification (germline): Pathogenic (1 of 4 stars; one submission).

Conditions:
Hereditary cancer-predisposing syndrome. Also called: Hereditary Cancer Syndrome; Neoplastic Syndromes, Hereditary; Tumor predisposition; Hereditary neoplastic syndrome. Identifiers: Orphanet 140162, MedGen C0027672, MeSH D009386, MONDO:0015356.

Submission:

Ambry Genetics
Classification: Pathogenic for Hereditary cancer-predisposing syndrome. Last evaluated: 2017-04-07. Review status: criteria provided, single submitter. Criteria: Ambry Variant Classification Scheme 2023. Collection method: clinical testing. Allele origin: germline.
Comment: The c.951delA pathogenic mutation, located in coding exon 9 of the BRCA1 gene, results from a deletion of one nucleotide at nucleotide position 951, causing a translational frameshift with a predicted alternate stop codon (p.Q317Hfs*24). This alteration is expected to result in loss of function by premature protein truncation or nonsense-mediated mRNA decay. As such, this alteration is interpreted as a disease-causing mutation.